The following is an entry in ClinVar:

NM_021625.5(TRPV4):c.942G>A (p.Met314Ile)

Gene: TRPV4 (transient receptor potential cation channel subfamily V member 4; minus strand). Cytogenetic location: 12q24.11.
Variant type: single nucleotide variant.
Coding change: c.942G>A on transcript NM_021625.5 (MANE Select); coding-DNA position 942, G replaced by A.
Protein change: p.Met314Ile; replaces methionine 314 with isoleucine.
Molecular consequence: missense variant.
Genome position (GRCh38, 1-based): chr12:109,798,824, C>T on the plus strand (G>A on the coding strand, the complement: TRPV4 is on the minus strand). VCF-style: chr12-109798824-C-T. GRCh37 (hg19) VCF-style: chr12-110236629-C-T.
Other names: c.801G>A, p.Met267Ile (NM_001177428.2, NM_001177433.2); c.840G>A, p.Met280Ile (NM_001177431.2); c.942G>A, p.Met314Ile (NM_147204.3); short protein forms M280I, M314I, M267I.
Identifiers: ClinVar variation 3708742 (VCV003708742.2).

ClinVar aggregate classification (germline): Uncertain significance (1 of 4 stars; one submission).

Conditions:
Charcot-Marie-Tooth disease axonal type 2C (HMSN2C). Also called: CHARCOT-MARIE-TOOTH DISEASE, AXONAL, AUTOSOMAL DOMINANT, TYPE 2C; Charcot-Marie-Tooth Neuropathy Type 2C; Charcot-Marie-Tooth Disease Type 2, TRPV4-Related (CMT2C). Identifiers: Orphanet 99937, MedGen C1853710, MONDO:0011633, OMIM 606071.

gnomAD v4.1: 1 of 1,614,080 alleles (0.000062%); highest among the groups gnomAD compares: African/African-American, 0.0013%; no homozygotes.

Submission:

Labcorp Genetics (formerly Invitae), Labcorp
Classification: Uncertain significance for Charcot-Marie-Tooth disease axonal type 2C. Last evaluated: 2024-03-24. Review status: criteria provided, single submitter. Criteria: Invitae Variant Classification Sherloc (09022015). Collection method: clinical testing. Allele origin: germline.
Comment: This sequence change replaces methionine, which is neutral and non-polar, with isoleucine, which is neutral and non-polar, at codon 314 of the TRPV4 protein (p.Met314Ile). This variant is not present in population databases (gnomAD no frequency). This variant has not been reported in the literature in individuals affected with TRPV4-related conditions. Advanced modeling of protein sequence and biophysical properties (such as structural, functional, and spatial information, amino acid conservation, physicochemical variation, residue mobility, and thermodynamic stability) performed at Invitae indicates that this missense variant is not expected to disrupt TRPV4 protein function with a negative predictive value of 95%. In summary, the available evidence is currently insufficient to determine the role of this variant in disease. Therefore, it has been classified as a Variant of Uncertain Significance.